The following is an entry in ClinVar:

NM_013336.4(SEC61A1):c.1069G>T (p.Asp357Tyr)

Genes: SEC61A1 (SEC61 translocon subunit alpha 1; plus strand), RUVBL1 (RuvB like AAA ATPase 1; minus strand). Cytogenetic location: 3q21.3.
Variant type: single nucleotide variant.
Coding change: c.1069G>T on transcript NM_013336.4 (MANE Select); coding-DNA position 1069, G replaced by T.
Protein change: p.Asp357Tyr; replaces aspartic acid 357 with tyrosine.
Molecular consequence: missense variant. On other transcripts: intron variant (1).
Genome position (GRCh38, 1-based): chr3:128,067,514, G>T. VCF-style: chr3-128067514-G-T. GRCh37 (hg19) VCF-style: chr3-127786357-G-T.
Other names: c.1087G>T, p.Asp363Tyr (NM_001400328.1); c.910G>T, p.Asp304Tyr (NM_001400329.1); c.940-2294C>A (NM_001319086.1); short protein forms D357Y, D363Y, D304Y.
Identifiers: ClinVar variation 1943013 (VCV001943013.4), dbSNP rs2473045587, ClinGen allele CA354400728.

ClinVar aggregate classification (germline): Uncertain significance (1 of 4 stars; one submission).

Submission:

Labcorp Genetics (formerly Invitae), Labcorp
Classification: Uncertain significance. Last evaluated: 2023-10-13. Review status: criteria provided, single submitter. Criteria: Invitae Variant Classification Sherloc (09022015). Collection method: clinical testing. Allele origin: germline.
Comment: This sequence change replaces aspartic acid, which is acidic and polar, with tyrosine, which is neutral and polar, at codon 357 of the SEC61A1 protein (p.Asp357Tyr). This variant is not present in population databases (gnomAD no frequency). This variant has not been reported in the literature in individuals affected with SEC61A1-related conditions. ClinVar contains an entry for this variant (Variation ID: 1943013). Advanced modeling of protein sequence and biophysical properties (such as structural, functional, and spatial information, amino acid conservation, physicochemical variation, residue mobility, and thermodynamic stability) performed at Invitae indicates that this missense variant is expected to disrupt SEC61A1 protein function. In summary, the available evidence is currently insufficient to determine the role of this variant in disease. Therefore, it has been classified as a Variant of Uncertain Significance.